The following is an entry in ClinVar:

ClinVar aggregate classification (germline): Uncertain significance (1 of 4 stars; one submission).

Allele frequency attached by ClinVar (database versions not stated): gnomAD 0.00003; TOPMed 0.00004; ESP Exome Variant Server 0.00008.
gnomAD v4.1: 25 of 1,613,900 alleles (0.0015%); highest among the groups gnomAD compares: Admixed American, 0.005%; no homozygotes.

Submission:

Labcorp Genetics (formerly Invitae), Labcorp
Classification: Uncertain significance. Last evaluated: 2022-08-09. Review status: criteria provided, single submitter. Criteria: Invitae Variant Classification Sherloc (09022015). Collection method: clinical testing. Allele origin: germline.
Comment: This sequence change replaces glutamic acid, which is acidic and polar, with lysine, which is basic and polar, at codon 3027 of the SPEG protein (p.Glu3027Lys). This variant is present in population databases (rs376483388, gnomAD 0.006%). This variant has not been reported in the literature in individuals affected with SPEG-related conditions. Algorithms developed to predict the effect of missense changes on protein structure and function are either unavailable or do not agree on the potential impact of this missense change (SIFT: "Deleterious"; PolyPhen-2: "Probably Damaging"; Align-GVGD: "Class C0"). In summary, the available evidence is currently insufficient to determine the role of this variant in disease. Therefore, it has been classified as a Variant of Uncertain Significance.

NM_005876.5(SPEG):c.9079G>A (p.Glu3027Lys)

Genes: ASIC4-AS1 (ASIC4 antisense RNA 1; minus strand), SPEG (striated muscle enriched protein kinase; plus strand). Cytogenetic location: 2q35.
Variant type: single nucleotide variant.
Coding change: c.9079G>A on transcript NM_005876.5 (MANE Select); coding-DNA position 9079, G replaced by A.
Protein change: p.Glu3027Lys; replaces glutamic acid 3027 with lysine.
Molecular consequence: missense variant.
Genome position (GRCh38, 1-based): chr2:219,490,566, G>A. VCF-style: chr2-219490566-G-A. GRCh37 (hg19) VCF-style: chr2-220355288-G-A.
Other names: short protein forms E3027K.
Identifiers: ClinVar variation 2193104 (VCV002193104.1), dbSNP rs376483388, ClinGen allele CA2127668.